The following is an entry in ClinVar:

NM_001039706.3(CFAP69):c.637G>C (p.Glu213Gln)

Gene: CFAP69 (cilia and flagella associated protein 69; plus strand). Cytogenetic location: 7q21.13.
Variant type: single nucleotide variant.
Coding change: c.637G>C on transcript NM_001039706.3 (MANE Select); coding-DNA position 637, G replaced by C.
Protein change: p.Glu213Gln; replaces glutamic acid 213 with glutamine.
Molecular consequence: missense variant.
Genome position (GRCh38, 1-based): chr7:90,271,630, G>C. VCF-style: chr7-90271630-G-C. GRCh37 (hg19) VCF-style: chr7-89900944-G-C.
Other names: c.583G>C, p.Glu195Gln (NM_001160138.2); c.637G>C, p.Glu213Gln (NM_001363438.1); short protein forms E195Q, E213Q.
Identifiers: ClinVar variation 3389399 (VCV003389399.14).

ClinVar aggregate classification (germline): Uncertain significance (1 of 4 stars; one submission).

gnomAD v4.1: 17 of 1,613,614 alleles (0.0011%); highest among the groups gnomAD compares: Non-Finnish European, 0.0012%; no homozygotes.

Submission:

CeGaT Center for Human Genetics Tuebingen
Classification: Uncertain significance. Last evaluated: 2024-09-01. Review status: criteria provided, single submitter. Criteria: CeGaT Center For Human Genetics Tuebingen Variant Classification Criteria Version 2. Collection method: clinical testing. Allele origin: germline. Affected: yes. Observed: 1 variant allele.
Comment: CFAP69: PM2, BP4